The following is an entry in ClinVar:

ClinVar aggregate classification (germline): Uncertain significance (1 of 4 stars; one submission).

gnomAD v4.1: 16 of 1,609,150 alleles (0.00099%); highest among the groups gnomAD compares: African/African-American, 0.008%; no homozygotes.

Submission:

GeneDx
Classification: Uncertain significance. Last evaluated: 2026-03-05. Review status: criteria provided, single submitter. Criteria: GeneDx Variant Classification Process June 2021. Collection method: clinical testing. Allele origin: germline.
Comment: In silico analysis suggests that this missense variant does not alter protein structure/function; Has not been previously published as pathogenic or benign to our knowledge

NM_003506.4(FZD6):c.1559G>A (p.Arg520Gln)

Gene: FZD6 (frizzled class receptor 6; plus strand). Cytogenetic location: 8q22.3.
Variant type: single nucleotide variant.
Coding change: c.1559G>A on transcript NM_003506.4 (MANE Select); coding-DNA position 1559, G replaced by A.
Protein change: p.Arg520Gln; replaces arginine 520 with glutamine.
Molecular consequence: missense variant. On other transcripts: non-coding transcript variant (1).
Genome position (GRCh38, 1-based): chr8:103,329,672, G>A. VCF-style: chr8-103329672-G-A. GRCh37 (hg19) VCF-style: chr8-104341900-G-A.
Other names: c.1559G>A, p.Arg520Gln (NM_001164615.2); c.1463G>A, p.Arg488Gln (NM_001164616.2); c.644G>A, p.Arg215Gln (NM_001317796.2); short protein forms R215Q, R520Q, R488Q.
Identifiers: ClinVar variation 5008404 (VCV005008404.1).